The following is an entry in ClinVar:

ClinVar aggregate classification (germline): Conflicting classifications of pathogenicity. Review status: criteria provided, conflicting classifications (1 of 4 stars). 2 submissions from 2 submitters: Uncertain significance (1); Likely benign (1). Last evaluated 2025-05-01.

gnomAD v4.1: 254 of 1,571,722 alleles (0.016%); highest among the groups gnomAD compares: African/African-American, 0.2%; 12 homozygotes.

Submissions (2):

CeGaT Center for Human Genetics Tuebingen
Classification: Likely benign. Last evaluated: 2025-05-01. Review status: criteria provided, single submitter. Criteria: CeGaT Center For Human Genetics Tuebingen Variant Classification Criteria Version 2. Collection method: clinical testing. Allele origin: germline. Affected: yes. Observed: 1 variant allele.
Comment: AHNAK2: BP4, BS2

Ambry Genetics
Classification: Uncertain significance. Last evaluated: 2025-01-21. Review status: criteria provided, single submitter. Criteria: Ambry Variant Classification Scheme 2023. Collection method: clinical testing. Allele origin: germline.

NM_138420.4(AHNAK2):c.4568T>C (p.Val1523Ala)

Gene: AHNAK2 (AHNAK nucleoprotein 2; minus strand). Cytogenetic location: 14q32.33.
Variant type: single nucleotide variant.
Coding change: c.4568T>C on transcript NM_138420.4 (MANE Select); coding-DNA position 4568, T replaced by C.
Protein change: p.Val1523Ala; replaces valine 1523 with alanine.
Molecular consequence: missense variant.
Genome position (GRCh38, 1-based): chr14:104,950,883, A>G on the plus strand (T>C on the coding strand, the complement: AHNAK2 is on the minus strand). VCF-style: chr14-104950883-A-G. GRCh37 (hg19) VCF-style: chr14-105417220-A-G.
Other names: c.4268T>C, p.Val1423Ala (NM_001350929.2); short protein forms V1423A, V1523A.
Identifiers: ClinVar variation 3844597 (VCV003844597.11).